The following is an entry in ClinVar:

ClinVar aggregate classification (germline): Uncertain significance (1 of 4 stars; one submission).

Submission:

Labcorp Genetics (formerly Invitae), Labcorp
Classification: Uncertain significance. Last evaluated: 2025-01-20. Review status: criteria provided, single submitter. Criteria: Invitae Variant Classification Sherloc (09022015). Collection method: clinical testing. Allele origin: germline.
Comment: This sequence change creates a premature translational stop signal (p.Leu476Alafs*11) in the RNF168 gene. While this is not anticipated to result in nonsense mediated decay, it is expected to disrupt the last 96 amino acid(s) of the RNF168 protein. This variant is present in population databases (rs781187304, gnomAD 0.07%). This variant has not been reported in the literature in individuals affected with RNF168-related conditions. ClinVar contains an entry for this variant (Variation ID: 1509166). Experimental studies and prediction algorithms are not available or were not evaluated, and the functional significance of this variant is currently unknown. In summary, the available evidence is currently insufficient to determine the role of this variant in disease. Therefore, it has been classified as a Variant of Uncertain Significance.

NM_152617.4(RNF168):c.1426_1429del (p.Leu476fs)

Gene: RNF168 (ring finger protein 168; minus strand). Cytogenetic location: 3q29.
Variant type: Deletion.
Coding change: c.1426_1429del on transcript NM_152617.4 (MANE Select); coding-DNA positions 1426 to 1429, 4 bases deleted (TTAC; older notation c.1426_1429delTTAC).
Protein change: p.Leu476fs; shifts the reading frame from leucine 476.
Molecular consequence: frameshift variant.
Genome position (GRCh38, 1-based): chr3:196,472,106-196,472,109, GTAA deleted on the plus strand (TTAC on the coding strand, the reverse complement: RNF168 is on the minus strand); deleting any 4 consecutive bases within chr3:196,472,106-196,472,111 gives the same sequence; the c. name uses the placement nearest the transcript's 3' end. VCF-style (leftmost placement, unchanged base first): chr3-196472105-CGTAA-C. GRCh37 (hg19) VCF-style: chr3-196198976-CGTAA-C.
Other names: short protein forms L476fs.
Identifiers: ClinVar variation 1509166 (VCV001509166.5), dbSNP rs781187304, ClinGen allele CA2780653.